The following is an entry in ClinVar:

NM_005751.5(AKAP9):c.185G>A (p.Cys62Tyr)

Gene: AKAP9 (A-kinase anchoring protein 9; plus strand). Cytogenetic location: 7q21.2.
Variant type: single nucleotide variant.
Coding change: c.185G>A on transcript NM_005751.5 (MANE Select); coding-DNA position 185, G replaced by A.
Protein change: p.Cys62Tyr; replaces cysteine 62 with tyrosine.
Molecular consequence: missense variant.
Genome position (GRCh38, 1-based): chr7:91,973,847, G>A. VCF-style: chr7-91973847-G-A. GRCh37 (hg19) VCF-style: chr7-91603161-G-A.
Other names: c.185G>A, p.Cys62Tyr (NM_147185.3); short protein forms C62Y.
Identifiers: ClinVar variation 653920 (VCV000653920.49), dbSNP rs1433559893, ClinGen allele CA368118646.
Genomic context (GRCh38, chr7:91,973,847, plus strand): 5'-CGTCAAGCAGTAAACATGATGTGTCAGCACACCATGATTTGAATATTGATCAATCACAGT[G>A]TAATGAAATGTACATAAATAGTTCTCAGAGAGTAGAATCAACTGTGATTCCTGAATCTAC-3'
Protein context (NP_005742.4, residues 52-72): HHDLNIDQSQ[Cys62Tyr]NEMYINSSQR

ClinVar aggregate classification (germline): Uncertain significance. Review status: criteria provided, multiple submitters, no conflicts (2 of 4 stars). 2 submissions from 2 submitters: Uncertain significance (2). Last evaluated 2019-03-01.

Conditions:
Long QT syndrome (LQTS). Identifiers: MedGen C0023976, MeSH D008133, MONDO:0002442. Disease mechanism: loss of function. Inheritance: Various modes of inheritance.

Allele frequency attached by ClinVar (database versions not stated): gnomAD exomes below 0.00001.

Submissions (2):

CeGaT Center for Human Genetics Tuebingen
Classification: Uncertain significance. Last evaluated: 2019-03-01. Review status: criteria provided, single submitter. Criteria: CeGaT Center For Human Genetics Tuebingen Variant Classification Criteria Version 2. Collection method: clinical testing. Allele origin: germline. Affected: yes. Observed: 1 variant allele.

Labcorp Genetics (formerly Invitae), Labcorp
Classification: Uncertain significance for Long QT syndrome. Last evaluated: 2018-10-25. Review status: criteria provided, single submitter. Criteria: Invitae Variant Classification Sherloc (09022015). Collection method: clinical testing. Allele origin: germline.
Comment: This variant is not present in population databases (ExAC no frequency). In summary, the available evidence is currently insufficient to determine the role of this variant in disease. Therefore, it has been classified as a Variant of Uncertain Significance. Algorithms developed to predict the effect of missense changes on protein structure and function (SIFT, PolyPhen-2, Align-GVGD) all suggest that this variant is likely to be tolerated, but these predictions have not been confirmed by published functional studies and their clinical significance is uncertain. This variant has not been reported in the literature in individuals with AKAP9-related disease. This sequence change replaces cysteine with tyrosine at codon 62 of the AKAP9 protein (p.Cys62Tyr). The cysteine residue is weakly conserved and there is a large physicochemical difference between cysteine and tyrosine.